The following is an entry in ClinVar:

ClinVar aggregate classification (germline): Uncertain significance (1 of 4 stars; one submission).

Submission:

GeneDx
Classification: Uncertain significance. Last evaluated: 2024-05-14. Review status: criteria provided, single submitter. Criteria: GeneDx Variant Classification Process June 2021. Collection method: clinical testing. Allele origin: germline. Affected: yes.
Comment: Not observed at significant frequency in large population cohorts (gnomAD); In silico analysis supports that this missense variant has a deleterious effect on protein structure/function; Has not been previously published as pathogenic or benign to our knowledge

NM_000834.5(GRIN2B):c.3230C>A (p.Ala1077Asp)

Gene: GRIN2B (glutamate ionotropic receptor NMDA type subunit 2B; minus strand). Cytogenetic location: 12p13.1.
Variant type: single nucleotide variant.
Coding change: c.3230C>A on transcript NM_000834.5 (MANE Select); coding-DNA position 3230, C replaced by A.
Protein change: p.Ala1077Asp; replaces alanine 1077 with aspartic acid.
Molecular consequence: missense variant.
Genome position (GRCh38, 1-based): chr12:13,564,008, G>T on the plus strand (C>A on the coding strand, the complement: GRIN2B is on the minus strand). VCF-style: chr12-13564008-G-T. GRCh37 (hg19) VCF-style: chr12-13716942-G-T.
Other names: c.3230C>A, p.Ala1077Asp (NM_001413992.1); short protein forms A1077D.
Identifiers: ClinVar variation 3378209 (VCV003378209.1).